The following is an entry in ClinVar:

ClinVar aggregate classification (germline): Pathogenic/Likely pathogenic. Review status: criteria provided, multiple submitters, no conflicts (2 of 4 stars). 4 submissions from 4 submitters: Pathogenic (3); Likely pathogenic (1). Last evaluated 2025-05-25.

Conditions:
Hereditary cancer-predisposing syndrome. Also called: Neoplastic Syndromes, Hereditary; Tumor predisposition; Hereditary Cancer Syndrome; Hereditary neoplastic syndrome. Identifiers: Orphanet 140162, MedGen C0027672, MeSH D009386, MONDO:0015356.
Breast-ovarian cancer, familial, susceptibility to, 4. Identifiers: Orphanet 145, MedGen C3280345, MONDO:0013669, OMIM 614291.

Submissions (4):

Labcorp Genetics (formerly Invitae), Labcorp
Classification: Pathogenic for Breast-ovarian cancer, familial, susceptibility to, 4. Last evaluated: 2025-05-25. Review status: criteria provided, single submitter. Criteria: Invitae Variant Classification Sherloc (09022015). Collection method: clinical testing. Allele origin: germline.
Comment: This sequence change creates a premature translational stop signal (p.Gln155*) in the RAD51D gene. It is expected to result in an absent or disrupted protein product. Loss-of-function variants in RAD51D are known to be pathogenic (PMID: 21822267). This variant is not present in population databases (gnomAD no frequency). This variant has not been reported in the literature in individuals affected with RAD51D-related conditions. ClinVar contains an entry for this variant (Variation ID: 484775). Algorithms developed to predict the effect of sequence changes on RNA splicing suggest that this variant may disrupt the consensus splice site. For these reasons, this variant has been classified as Pathogenic.

Myriad Genetics, Inc.
Classification: Pathogenic for Breast-ovarian cancer, familial, susceptibility to, 4. Last evaluated: 2024-01-04. Review status: criteria provided, single submitter. Criteria: Myriad Autosomal Dominant, Autosomal Recessive and X-Linked Classification Criteria (2023). Collection method: clinical testing. Allele origin: unknown.
Comment: This variant is considered pathogenic. This variant creates a termination codon and is predicted to result in premature protein truncation.

Ambry Genetics
Classification: Pathogenic for Hereditary cancer-predisposing syndrome. Last evaluated: 2023-03-06. Review status: criteria provided, single submitter. Criteria: Ambry Variant Classification Scheme 2023. Collection method: clinical testing. Allele origin: germline.
Comment: The p.Q155* pathogenic mutation (also known as c.463C>T), located in coding exon 5 of the RAD51D gene, results from a C to T substitution at nucleotide position 463. This changes the amino acid from a glutamine to a stop codon within coding exon 5. This variant is considered to be rare based on population cohorts in the Genome Aggregation Database (gnomAD). This alteration is expected to result in loss of function by premature protein truncation or nonsense-mediated mRNA decay. As such, this alteration is interpreted as a disease-causing mutation.

Baylor Genetics
Classification: Likely pathogenic for Breast-ovarian cancer, familial, susceptibility to, 4. Last evaluated: 2022-01-05. Review status: criteria provided, single submitter. Criteria: ACMG Guidelines, 2015. Collection method: clinical testing. Allele origin: unknown.

Literature cited by the submitters: PubMed 21822267 (cited by Labcorp Genetics (formerly Invitae), Labcorp).

NM_002878.4(RAD51D):c.463C>T (p.Gln155Ter)

Genes: RAD51L3-RFFL (RAD51L3-RFFL readthrough; minus strand), RAD51D (RAD51 paralog D; minus strand). Cytogenetic location: 17q12.
Variant type: single nucleotide variant.
Coding change: c.463C>T on transcript NM_002878.4 (MANE Select); coding-DNA position 463, C replaced by T.
Protein change: p.Gln155Ter; replaces glutamine 155 with a stop codon.
Molecular consequence: nonsense. On other transcripts: non-coding transcript variant (1), intron variant (1).
Genome position (GRCh38, 1-based): chr17:35,107,005, G>A on the plus strand (C>T on the coding strand, the complement: RAD51D is on the minus strand). VCF-style: chr17-35107005-G-A. GRCh37 (hg19) VCF-style: chr17-33434024-G-A.
Other names: c.523C>T, p.Gln175Ter (NM_001142571.2); c.145-524C>T (NM_133629.3); short protein forms Q155*, Q175*.
Identifiers: ClinVar variation 484775 (VCV000484775.11), dbSNP rs1555568293, ClinGen allele CA399089180.